The following is an entry in ClinVar:

NM_001698.3(AUH):c.40T>C (p.Ser14Pro)

Genes: AUH (AU RNA binding methylglutaconyl-CoA hydratase; minus strand), LOC130002059 (ATAC-STARR-seq lymphoblastoid silent region 20025; plus strand). Cytogenetic location: 9q22.31.
Variant type: single nucleotide variant.
Coding change: c.40T>C on transcript NM_001698.3 (MANE Select); coding-DNA position 40, T replaced by C.
Protein change: p.Ser14Pro; replaces serine 14 with proline.
Molecular consequence: missense variant. On other transcripts: 5 prime UTR variant (3).
Genome position (GRCh38, 1-based): chr9:91,361,850, A>G on the plus strand (T>C on the coding strand, the complement: AUH is on the minus strand). VCF-style: chr9-91361850-A-G. GRCh37 (hg19) VCF-style: chr9-94124132-A-G.
Other names: c.40T>C, p.Ser14Pro (NM_001306190.2); c.-358T>C (NM_001351431.2, NM_001351433.2); c.-450T>C (NM_001351432.2); short protein forms S14P.
Identifiers: ClinVar variation 958977 (VCV000958977.10), dbSNP rs1482564472, ClinGen allele CA373836751.
Genomic context (GRCh38, chr9:91,361,850, plus strand): 5'-ACCCCGGGCAGAGCCACGCACTGCAAGCGGCCACCAGGCGGGCGCCGCCAGCATGCAGGG[A>G]TCCCAAGGCCCCAGGTGCCGCCGCCACCGCGGCCGCCATGTTGTCTGTTTACGGCGTGGA-3'
Protein context (NP_001689.1, residues 4-24): AVAAAPGALG[Ser14Pro]LHAGGARLVA

ClinVar aggregate classification (germline): Uncertain significance (1 of 4 stars; one submission).

Conditions:
3-methylglutaconic aciduria type 1 (MGCA1). Identifiers: Orphanet 67046, MedGen C0342727, MONDO:0009610, OMIM 250950.

Submission:

Labcorp Genetics (formerly Invitae), Labcorp
Classification: Uncertain significance for 3-methylglutaconic aciduria type 1. Last evaluated: 2019-09-12. Review status: criteria provided, single submitter. Criteria: Invitae Variant Classification Sherloc (09022015). Collection method: clinical testing. Allele origin: germline.
Comment: This variant has not been reported in the literature in individuals with AUH-related conditions. The frequency data for this variant in the population databases is considered unreliable, as metrics indicate insufficient coverage at this position in the ExAC database. This sequence change replaces serine with proline at codon 14 of the AUH protein (p.Ser14Pro). The serine residue is weakly conserved and there is a moderate physicochemical difference between serine and proline. In summary, the available evidence is currently insufficient to determine the role of this variant in disease. Therefore, it has been classified as a Variant of Uncertain Significance. Algorithms developed to predict the effect of missense changes on protein structure and function (SIFT, PolyPhen-2, Align-GVGD) all suggest that this variant is likely to be tolerated, but these predictions have not been confirmed by published functional studies and their clinical significance is uncertain.